The following is an entry in ClinVar:

ClinVar aggregate classification (germline): Uncertain significance (1 of 4 stars; one submission).

Conditions:
FHOD3-related disorder. Also called: FHOD3-related condition.

gnomAD v4.1: 9 of 1,562,696 alleles (0.00058%); highest among the groups gnomAD compares: African/African-American, 0.011%; no homozygotes.

Submission:

PreventionGenetics, part of Exact Sciences
Classification: Uncertain significance for FHOD3-related condition. Last evaluated: 2026-07-08. Review status: criteria provided, single submitter. Criteria: ACMG Guidelines, 2015. Collection method: clinical testing. Allele origin: germline.
Comment: The FHOD3 c.86C>T variant is predicted to result in the amino acid substitution p.Pro29Leu. To our knowledge, this variant has not been reported in the literature. This variant is reported in 0.012% of alleles in individuals of African descent in gnomAD. Although we suspect that this variant may be benign, at this time, the clinical significance of this variant is uncertain due to the absence of conclusive functional and genetic evidence.

NM_001281740.3(FHOD3):c.86C>T (p.Pro29Leu)

Genes: FHOD3 (formin homology 2 domain containing 3; plus strand), LOC130062385 (ATAC-STARR-seq lymphoblastoid silent region 9404; plus strand). Cytogenetic location: 18q12.2.
Variant type: single nucleotide variant.
Coding change: c.86C>T on transcript NM_001281740.3 (MANE Select); coding-DNA position 86, C replaced by T.
Protein change: p.Pro29Leu; replaces proline 29 with leucine.
Molecular consequence: missense variant.
Genome position (GRCh38, 1-based): chr18:36,297,921, C>T. VCF-style: chr18-36297921-C-T. GRCh37 (hg19) VCF-style: chr18-33877884-C-T.
Other names: c.86C>T, p.Pro29Leu (NM_001281739.3, NM_025135.5); short protein forms P29L.
Identifiers: ClinVar variation 4983813 (VCV004983813.1).